The following is an entry in ClinVar:

NM_004415.4(DSP):c.682A>G (p.Ile228Val)

Gene: DSP (desmoplakin; plus strand). Cytogenetic location: 6p24.3.
Variant type: single nucleotide variant.
Coding change: c.682A>G on transcript NM_004415.4 (MANE Select); coding-DNA position 682, A replaced by G.
Protein change: p.Ile228Val; replaces isoleucine 228 with valine.
Molecular consequence: missense variant.
Genome position (GRCh38, 1-based): chr6:7,562,736, A>G. VCF-style: chr6-7562736-A-G. GRCh37 (hg19) VCF-style: chr6-7562969-A-G.
Other names: c.682A>G (LRG_423t1); c.682A>G, p.Ile228Val (NM_001008844.3, NM_001319034.2); short protein forms I228V.
Identifiers: ClinVar variation 465907 (VCV000465907.20), dbSNP rs934038992, ClinGen allele CA133953258.
Genomic context (GRCh38, chr6:7,562,736, plus strand): 5'-GGTGTGGACCTGGCCTCAGTGGAGCAGCACATTAACAGCCACCGGGGCATCCACAACTCC[A>G]TCGGCGACTATCGCTGGCAGCTGGACAAAATCAAAGCCGACCTGGTACTTGTCTGTGTTT-3'
Protein context (NP_004406.2, residues 218-238): INSHRGIHNS[Ile228Val]GDYRWQLDKI

ClinVar aggregate classification (germline): Uncertain significance. Review status: criteria provided, multiple submitters, no conflicts (2 of 4 stars). 6 submissions from 6 submitters: Uncertain significance (6). Last evaluated 2025-08-13.

Conditions:
Arrhythmogenic right ventricular dysplasia 8 (ARVD8). Also called: Arrhythmogenic Right Ventricular Dysplasia/Cardiomyopathy 8; ARRHYTHMOGENIC RIGHT VENTRICULAR DYSPLASIA, FAMILIAL, 8; ARRHYTHMOGENIC RIGHT VENTRICULAR CARDIOMYOPATHY 8. Identifiers: MedGen C1843896, MONDO:0011831, OMIM 607450.
Arrhythmogenic cardiomyopathy with wooly hair and keratoderma. Also called: Dilated cardiomyopathy with woolly hair and keratoderma; Arrhythmogenic cardiomyopathy with woolly hair and keratoderma; PALMOPLANTAR KERATODERMA WITH LEFT VENTRICULAR CARDIOMYOPATHY AND WOOLLY HAIR; Carvajal syndrome. Identifiers: Orphanet 65282, MedGen C1854063, MONDO:0011581, OMIM 605676.
Cardiomyopathy, dilated, with wooly hair, keratoderma, and tooth agenesis. Also called: Erythrokeratodermia-cardiomyopathy syndrome; Cardiomyopathy, dilated, with woolly hair, keratoderma, and tooth agenesis. Identifiers: Orphanet 476096, Orphanet 65282, MedGen C4014393, MONDO:0014355, OMIM 615821.
Lethal acantholytic epidermolysis bullosa (EBLA). Identifiers: Orphanet 158687, MedGen C1864826, MONDO:0012323, OMIM 609638.
Keratosis palmoplantaris striata 2. Also called: KERATODERMA, PALMOPLANTAR, STRIATE FORM II; STRIATE PALMOPLANTAR KERATODERMA II; Keratosis palmoplantaris striata II. Identifiers: MedGen C1852127, MONDO:0013034, OMIM 612908.
Cardiovascular phenotype. Identifiers: MedGen CN230736.
Cardiomyopathy (CMYO). Also called: Cardiomyopathies. Identifiers: Orphanet 167848, MedGen C0878544, MONDO:0004994, HP:0001638. Inheritance: Various modes of inheritance.

Allele frequency attached by ClinVar (database versions not stated): gnomAD exomes below 0.00001.

Submissions (6):

Color Diagnostics, LLC DBA Color Health
Classification: Uncertain significance for Cardiomyopathy. Last evaluated: 2025-08-13. Review status: criteria provided, single submitter. Criteria: ACMG Guidelines, 2015. Collection method: clinical testing. Allele origin: germline.
Comment: This missense variant replaces isoleucine with valine at codon 228 of the DSP protein. Computational prediction suggests that this variant may not impact protein structure and function. To our knowledge, functional studies have not been reported for this variant. This variant has been reported in one individual affected with dilated cardiomyopathy (PMID: 29386531) and in one individual affected with hypertrophic cardiomyopathy (PMID: 25351510). This variant has not been identified in the general population by the Genome Aggregation Database (gnomAD). The available evidence is insufficient to determine the role of this variant in disease conclusively. Therefore, this variant is classified as a Variant of Uncertain Significance.

Women's Health and Genetics/Laboratory Corporation of America, LabCorp
Classification: Uncertain significance. Last evaluated: 2025-05-09. Review status: criteria provided, single submitter. Criteria: LabCorp Variant Classification Summary - May 2015. Collection method: clinical testing. Allele origin: germline.
Comment: Variant summary: DSP c.682A>G (p.Ile228Val) results in a conservative amino acid change in the encoded protein sequence. Algorithms developed to predict the effect of missense changes on protein structure and function are either unavailable or do not agree on the potential impact of this missense change. The variant was absent in 251450 control chromosomes. The available data on variant occurrences in the general population are insufficient to allow any conclusion about variant significance. c.682A>G has been observed in individual(s) affected with Cardiomyopathy (Tobita_2018). These report(s) do not provide unequivocal conclusions about association of the variant with Arrhythmogenic Right Ventricular Dysplasia/Cardiomyopathy. To our knowledge, no experimental evidence demonstrating an impact on protein function has been reported. The following publication have been ascertained in the context of this evaluation (PMID: 29386531). ClinVar contains an entry for this variant (Variation ID: 465907). Based on the evidence outlined above, the variant was classified as uncertain significance.

Labcorp Genetics (formerly Invitae), Labcorp
Classification: Uncertain significance for Arrhythmogenic cardiomyopathy with wooly hair and keratoderma; Arrhythmogenic right ventricular dysplasia 8. Last evaluated: 2024-12-27. Review status: criteria provided, single submitter. Criteria: Invitae Variant Classification Sherloc (09022015). Collection method: clinical testing. Allele origin: germline.
Comment: This sequence change replaces isoleucine, which is neutral and non-polar, with valine, which is neutral and non-polar, at codon 228 of the DSP protein (p.Ile228Val). This variant is not present in population databases (gnomAD no frequency). This missense change has been observed in individual(s) with clinical features of hypertrophic cardiomyopathy (PMID: 25351510, 29386531). ClinVar contains an entry for this variant (Variation ID: 465907). An algorithm developed to predict the effect of missense changes on protein structure and function (PolyPhen-2) suggests that this variant is likely to be disruptive. In summary, the available evidence is currently insufficient to determine the role of this variant in disease. Therefore, it has been classified as a Variant of Uncertain Significance.

Fulgent Genetics
Classification: Uncertain significance for Arrhythmogenic cardiomyopathy with wooly hair and keratoderma; Arrhythmogenic right ventricular dysplasia 8; Lethal acantholytic epidermolysis bullosa; Keratosis palmoplantaris striata 2; Cardiomyopathy, dilated, with wooly hair, keratoderma, and tooth agenesis. Last evaluated: 2024-06-11. Review status: criteria provided, single submitter. Criteria: ACMG Guidelines, 2015. Collection method: clinical testing. Allele origin: germline.

Ambry Genetics
Classification: Uncertain significance for Cardiovascular phenotype. Last evaluated: 2023-03-11. Review status: criteria provided, single submitter. Criteria: Ambry Variant Classification Scheme 2023. Collection method: clinical testing. Allele origin: germline.
Comment: The p.I228V variant (also known as c.682A>G), located in coding exon 5 of the DSP gene, results from an A to G substitution at nucleotide position 682. The isoleucine at codon 228 is replaced by valine, an amino acid with highly similar properties. This alteration has been reported in a hypertrophic cardiomyopathy (HCM) cohort; however, clinical details were limited (Lopes LR et al. Heart, 2015 Feb;101:294-301). This alteration was also reported in a dilated cardiomyopathy (DCM) cohort (Tobita T et al. Sci Rep, 2018 Jan;8:1998).This amino acid position is highly conserved in available vertebrate species. In addition, the in silico prediction for this alteration is inconclusive. Since supporting evidence is limited at this time, the clinical significance of this alteration remains unclear.

GeneDx
Classification: Uncertain significance. Last evaluated: 2022-04-07. Review status: criteria provided, single submitter. Criteria: GeneDx Variant Classification Process June 2021. Collection method: clinical testing. Allele origin: germline. Affected: yes.
Comment: Has not been previously published as pathogenic or benign to our knowledge; Not observed in large population cohorts (gnomAD); In silico analysis supports that this missense variant does not alter protein structure/function

Literature cited by the submitters: PubMed 25351510 (cited by 3 submitters); PubMed 29386531 (cited by 4 submitters).